The following is an entry in ClinVar:

NM_002941.4(ROBO1):c.1517A>G (p.Glu506Gly)

Gene: ROBO1 (roundabout guidance receptor 1; minus strand). Cytogenetic location: 3p12.3.
Variant type: single nucleotide variant.
Coding change: c.1517A>G on transcript NM_002941.4 (MANE Select); coding-DNA position 1517, A replaced by G.
Protein change: p.Glu506Gly; replaces glutamic acid 506 with glycine.
Molecular consequence: missense variant.
Genome position (GRCh38, 1-based): chr3:78,670,127, T>C on the plus strand (A>G on the coding strand, the complement: ROBO1 is on the minus strand). VCF-style: chr3-78670127-T-C. GRCh37 (hg19) VCF-style: chr3-78719277-T-C.
Other names: c.1409A>G, p.Glu470Gly (NM_001145845.2, NM_133631.4); short protein forms E470G, E506G.
Identifiers: ClinVar variation 3621600 (VCV003621600.2).

ClinVar aggregate classification (germline): Uncertain significance (1 of 4 stars; one submission).

gnomAD v4.1: 4 of 1,613,558 alleles (0.00025%); highest among the groups gnomAD compares: Non-Finnish European, 0.00034%; no homozygotes.

Submission:

Labcorp Genetics (formerly Invitae), Labcorp
Classification: Uncertain significance. Last evaluated: 2024-10-29. Review status: criteria provided, single submitter. Criteria: Invitae Variant Classification Sherloc (09022015). Collection method: clinical testing. Allele origin: germline.
Comment: This sequence change replaces glutamic acid, which is acidic and polar, with glycine, which is neutral and non-polar, at codon 506 of the ROBO1 protein (p.Glu506Gly). This variant is present in population databases (rs747396519, gnomAD 0.002%). This variant has not been reported in the literature in individuals affected with ROBO1-related conditions. Invitae Evidence Modeling of protein sequence and biophysical properties (such as structural, functional, and spatial information, amino acid conservation, physicochemical variation, residue mobility, and thermodynamic stability) indicates that this missense variant is not expected to disrupt ROBO1 protein function with a negative predictive value of 95%. In summary, the available evidence is currently insufficient to determine the role of this variant in disease. Therefore, it has been classified as a Variant of Uncertain Significance.